The following is an entry in ClinVar:

ClinVar aggregate classification (germline): Uncertain significance (1 of 4 stars; one submission).

Conditions:
Colorectal cancer, hereditary nonpolyposis, type 7. Identifiers: Orphanet 144, MedGen C1858380, MONDO:0013725, OMIM 614385.

Submission:

Labcorp Genetics (formerly Invitae), Labcorp
Classification: Uncertain significance for Colorectal cancer, hereditary nonpolyposis, type 7. Last evaluated: 2022-05-21. Review status: criteria provided, single submitter. Criteria: Invitae Variant Classification Sherloc (09022015). Collection method: clinical testing. Allele origin: germline.
Comment: In summary, the available evidence is currently insufficient to determine the role of this variant in disease. Therefore, it has been classified as a Variant of Uncertain Significance. Algorithms developed to predict the effect of missense changes on protein structure and function (SIFT, PolyPhen-2, Align-GVGD) all suggest that this variant is likely to be tolerated. This variant has not been reported in the literature in individuals affected with MLH3-related conditions. This variant is not present in population databases (gnomAD no frequency). This sequence change replaces tyrosine, which is neutral and polar, with aspartic acid, which is acidic and polar, at codon 630 of the MLH3 protein (p.Tyr630Asp).

NM_001040108.2(MLH3):c.1888T>G (p.Tyr630Asp)

Gene: MLH3 (mutL homolog 3; minus strand). Cytogenetic location: 14q24.3.
Variant type: single nucleotide variant.
Coding change: c.1888T>G on transcript NM_001040108.2 (MANE Select); coding-DNA position 1888, T replaced by G.
Protein change: p.Tyr630Asp; replaces tyrosine 630 with aspartic acid.
Molecular consequence: missense variant.
Genome position (GRCh38, 1-based): chr14:75,047,768, A>C on the plus strand (T>G on the coding strand, the complement: MLH3 is on the minus strand). VCF-style: chr14-75047768-A-C. GRCh37 (hg19) VCF-style: chr14-75514471-A-C.
Other names: c.1888T>G, p.Tyr630Asp (NM_014381.3); short protein forms Y630D.
Identifiers: ClinVar variation 1997407 (VCV001997407.4), dbSNP rs2503283923, ClinGen allele CA390443904.